The following is an entry in ClinVar:

NM_006059.4(LAMC3):c.33_41del (p.Leu12_Ala14del)

Gene: LAMC3 (laminin subunit gamma 3; plus strand). Cytogenetic location: 9q34.12.
Variant type: Deletion.
Coding change: c.33_41del on transcript NM_006059.4 (MANE Select); coding-DNA positions 33 to 41, 9 bases deleted (GCTGCTGGC; older notation c.33_41delGCTGCTGGC).
Protein change: p.Leu12_Ala14del.
Molecular consequence: inframe deletion.
Genome position (GRCh38, 1-based): chr9:131,009,247-131,009,255, GCTGCTGGC deleted; deleting any 9 consecutive bases within chr9:131,009,241-131,009,255 gives the same sequence; the c. name uses the placement nearest the transcript's 3' end. VCF-style (leftmost placement, unchanged base first): chr9-131009240-GGCTGGCGCT-G. GRCh37 (hg19) VCF-style: chr9-133884627-GGCTGGCGCT-G.
Identifiers: ClinVar variation 1402546 (VCV001402546.6), dbSNP rs1318853603, ClinGen allele CA860511090.
Genomic context (GRCh38, chr9:131,009,240, plus strand): 5'-GGCCGGCAGAGCGCGCGGCGTCGGTGCCCTTGACCATGGCGGCGGCTGCGCTTCTGCTGG[GGCTGGCGCT>G]GCTGGCACCGCGGGCGGCCGGCGCGGGCATGGGCGCGTGCTATGACGGCGCAGGGCGCCC-3'

ClinVar aggregate classification (germline): Uncertain significance (1 of 4 stars; one submission).

Submission:

Labcorp Genetics (formerly Invitae), Labcorp
Classification: Uncertain significance. Last evaluated: 2021-11-01. Review status: criteria provided, single submitter. Criteria: Invitae Variant Classification Sherloc (09022015). Collection method: clinical testing. Allele origin: germline.
Comment: This variant, c.33_41del, results in the deletion of 3 amino acid(s) of the LAMC3 protein (p.Leu12_Ala14del), but otherwise preserves the integrity of the reading frame. This variant is not present in population databases (gnomAD no frequency). This variant has not been reported in the literature in individuals affected with LAMC3-related conditions. Experimental studies and prediction algorithms are not available or were not evaluated, and the functional significance of this variant is currently unknown. In summary, the available evidence is currently insufficient to determine the role of this variant in disease. Therefore, it has been classified as a Variant of Uncertain Significance.